The following is an entry in ClinVar:

NM_004500.4(HNRNPC):c.337T>C (p.Tyr113His)

Gene: HNRNPC (heterogeneous nuclear ribonucleoprotein C; minus strand). Cytogenetic location: 14q11.2.
Variant type: single nucleotide variant.
Coding change: c.337T>C on transcript NM_004500.4 (MANE Select); coding-DNA position 337, T replaced by C.
Protein change: p.Tyr113His; replaces tyrosine 113 with histidine.
Molecular consequence: missense variant.
Genome position (GRCh38, 1-based): chr14:21,230,347, A>G on the plus strand (T>C on the coding strand, the complement: HNRNPC is on the minus strand). VCF-style: chr14-21230347-A-G. GRCh37 (hg19) VCF-style: chr14-21698506-A-G.
Other names: c.376T>C, p.Tyr126His (NM_001077442.2, NM_031314.3); c.337T>C, p.Tyr113His (NM_001077443.2); short protein forms Y113H, Y126H.
Identifiers: ClinVar variation 4882947 (VCV004882947.2).

ClinVar aggregate classification (germline): Uncertain significance (1 of 4 stars; one submission).

Conditions:
Intellectual developmental disorder, autosomal dominant 74 (MRD74). Identifiers: MedGen C5882749, MONDO:0958203, OMIM 620688.

Submission:

Dasa
Classification: Uncertain significance for Intellectual developmental disorder, autosomal dominant 74. Last evaluated: 2025-10-18. Review status: criteria provided, single submitter. Criteria: DASA Assertion Criteria. Collection method: clinical testing. Allele origin: germline.
Comment: NM_004500.4(HNRNPC):c.337T>C (p.Tyr113His) is a missense variant that results in the substitution of tyrosine with histidine. This variant is absent from population databases. The currently available literature and clinical evidence are not sufficient to establish a definitive association between this variant and the reported condition. Therefore, this variant is classified as a variant of uncertain significance.